The following is an entry in ClinVar:

NM_001232.4(CASQ2):c.827A>C (p.Lys276Thr)

Gene: CASQ2 (calsequestrin 2; minus strand). Cytogenetic location: 1p13.1.
Variant type: single nucleotide variant.
Coding change: c.827A>C on transcript NM_001232.4 (MANE Select); coding-DNA position 827, A replaced by C.
Protein change: p.Lys276Thr; replaces lysine 276 with threonine.
Molecular consequence: missense variant.
Genome position (GRCh38, 1-based): chr1:115,717,851, T>G on the plus strand (A>C on the coding strand, the complement: CASQ2 is on the minus strand). VCF-style: chr1-115717851-T-G. GRCh37 (hg19) VCF-style: chr1-116260472-T-G.
Other names: short protein forms K276T.
Identifiers: ClinVar variation 4875228 (VCV004875228.2).

ClinVar aggregate classification (germline): Uncertain significance (1 of 4 stars; one submission).

Submission:

CeGaT Center for Human Genetics Tuebingen
Classification: Uncertain significance. Last evaluated: 2026-05-01. Review status: criteria provided, single submitter. Criteria: CeGaT Center For Human Genetics Tuebingen Variant Classification Criteria Version 2. Collection method: clinical testing. Allele origin: germline. Affected: yes. Observed: 1 variant allele.
Comment: CASQ2: PM2, BP4